The following is an entry in ClinVar:

ClinVar aggregate classification (germline): Benign. Review status: criteria provided, multiple submitters, no conflicts (2 of 4 stars). 5 submissions from 5 submitters: Benign (4). 1 of the submissions does not count toward it. Last evaluated 2026-02-01.

Conditions:
HSD11B2-related disorder. Also called: HSD11B2-related condition.

Submissions (5):

Labcorp Genetics (formerly Invitae), Labcorp
Classification: Benign. Last evaluated: 2026-02-01. Review status: criteria provided, single submitter. Criteria: Invitae Variant Classification Sherloc (09022015). Collection method: clinical testing. Allele origin: germline.

Mayo Clinic Laboratories, Mayo Clinic
Classification: Benign. Last evaluated: 2025-10-17. Review status: criteria provided, single submitter. Criteria: ACMG Guidelines, 2015. Collection method: clinical testing. Allele origin: germline. Observed: 1 variant allele.
Comment: BS1, BS2, BP4, BP7

Blueprint Genetics
Classification: Benign. Last evaluated: 2024-11-26. Review status: criteria provided, single submitter. Criteria: ACMG Guidelines, 2015. Collection method: clinical testing. Allele origin: germline.

Athena Diagnostics
Classification: Benign. Last evaluated: 2017-10-26. Review status: criteria provided, single submitter. Criteria: Athena Diagnostics Criteria. Collection method: clinical testing. Allele origin: germline.

PreventionGenetics, part of Exact Sciences
Classification: Benign for HSD11B2-related condition. Last evaluated: 2019-02-21. Review status: no assertion criteria provided. Collection method: clinical testing. Allele origin: germline. Not counted in ClinVar's aggregate classification.
Comment: This variant is classified as benign based on ACMG/AMP sequence variant interpretation guidelines (Richards et al. 2015 PMID: 25741868, with internal and published modifications).

NM_000196.4(HSD11B2):c.664+16del

Gene: HSD11B2 (hydroxysteroid 11-beta dehydrogenase 2; plus strand). Cytogenetic location: 16q22.1.
Variant type: Deletion.
Coding change: c.664+16del on transcript NM_000196.4 (MANE Select); 16 bases into the intron after coding-DNA position 664, one base deleted (C; older notation c.664+16delC).
Molecular consequence: intron variant.
Genome position (GRCh38, 1-based): chr16:67,436,158, C deleted; the last of 9 consecutive C bases (chr16:67,436,150-67,436,158); deleting any one gives the same sequence. VCF-style (leftmost placement, unchanged base first): chr16-67436149-GC-G. GRCh37 (hg19) VCF-style: chr16-67470052-GC-G.
Other names: p.?; c.664+16delC (NM_000196.3).
Identifiers: ClinVar variation 586030 (VCV000586030.13), dbSNP rs72650121, ClinGen allele CA8110680.